The following is an entry in ClinVar:

ClinVar aggregate classification (germline): Uncertain significance (1 of 4 stars; one submission).

Allele frequency attached by ClinVar (database versions not stated): gnomAD exomes below 0.00001.
gnomAD v4.1: 2 of 1,572,586 alleles (0.00013%); no homozygotes.

Submission:

Labcorp Genetics (formerly Invitae), Labcorp
Classification: Uncertain significance. Last evaluated: 2021-12-02. Review status: criteria provided, single submitter. Criteria: Invitae Variant Classification Sherloc (09022015). Collection method: clinical testing. Allele origin: germline.
Comment: Algorithms developed to predict the effect of missense changes on protein structure and function are either unavailable or do not agree on the potential impact of this missense change (SIFT: "Deleterious"; PolyPhen-2: "Probably Damaging"; Align-GVGD: "Class C0"). This variant has not been reported in the literature in individuals affected with PLXNA2-related conditions. This variant is not present in population databases (gnomAD no frequency). This sequence change replaces cysteine, which is neutral and slightly polar, with arginine, which is basic and polar, at codon 537 of the PLXNA2 protein (p.Cys537Arg). In summary, the available evidence is currently insufficient to determine the role of this variant in disease. Therefore, it has been classified as a Variant of Uncertain Significance.

NM_025179.4(PLXNA2):c.1609T>C (p.Cys537Arg)

Gene: PLXNA2 (plexin A2; minus strand). Cytogenetic location: 1q32.2.
Variant type: single nucleotide variant.
Coding change: c.1609T>C on transcript NM_025179.4 (MANE Select); coding-DNA position 1609, T replaced by C.
Protein change: p.Cys537Arg; replaces cysteine 537 with arginine.
Molecular consequence: missense variant.
Genome position (GRCh38, 1-based): chr1:208,098,968, A>G on the plus strand (T>C on the coding strand, the complement: PLXNA2 is on the minus strand). VCF-style: chr1-208098968-A-G. GRCh37 (hg19) VCF-style: chr1-208272313-A-G.
Other names: short protein forms C537R.
Identifiers: ClinVar variation 1400558 (VCV001400558.8), dbSNP rs200698765, ClinGen allele CA344557570.